The following is an entry in ClinVar:

NM_006767.4(LZTR1):c.1717T>C (p.Ser573Pro)

Gene: LZTR1 (leucine zipper like post translational regulator 1; plus strand). Cytogenetic location: 22q11.21.
Variant type: single nucleotide variant.
Coding change: c.1717T>C on transcript NM_006767.4 (MANE Select); coding-DNA position 1717, T replaced by C.
Protein change: p.Ser573Pro; replaces serine 573 with proline.
Molecular consequence: missense variant.
Genome position (GRCh38, 1-based): chr22:20,994,659, T>C. VCF-style: chr22-20994659-T-C. GRCh37 (hg19) VCF-style: chr22-21348948-T-C.
Other names: short protein forms S573P.
Identifiers: ClinVar variation 1428117 (VCV001428117.13), dbSNP rs1269824662, ClinGen allele CA410778037.

ClinVar aggregate classification (germline): Uncertain significance. Review status: criteria provided, multiple submitters, no conflicts (2 of 4 stars). 4 submissions from 4 submitters: Uncertain significance (4). Last evaluated 2026-01-18.

Conditions:
Noonan syndrome 10 (NS10). Identifiers: Orphanet 648, MedGen C4225280, MONDO:0014693, OMIM 616564.
Noonan syndrome 2 (NS2). Identifiers: Orphanet 648, MedGen C1854469, MONDO:0011531, OMIM 605275.
LZTR1-related schwannomatosis. Also called: Schwannomatosis 2; Schwannomatosis-2, susceptibility to. Identifiers: Orphanet 93921, MedGen C3810283, MONDO:0014299, OMIM 615670.
Cardiovascular phenotype. Identifiers: MedGen CN230736.
Hereditary cancer-predisposing syndrome. Also called: Tumor predisposition; Hereditary neoplastic syndrome; Neoplastic Syndromes, Hereditary; Hereditary Cancer Syndrome. Identifiers: Orphanet 140162, MedGen C0027672, MeSH D009386, MONDO:0015356.

Allele frequency attached by ClinVar (database versions not stated): gnomAD exomes below 0.00001; TOPMed below 0.00001; gnomAD 0.00001.
gnomAD v4.1: 2 of 1,612,888 alleles (0.00012%); highest among the groups gnomAD compares: Admixed American, 0.0017%; no homozygotes.

Submissions (4):

Labcorp Genetics (formerly Invitae), Labcorp
Classification: Uncertain significance. Last evaluated: 2026-01-18. Review status: criteria provided, single submitter. Criteria: Invitae Variant Classification Sherloc (09022015). Collection method: clinical testing. Allele origin: germline.
Comment: This sequence change replaces serine, which is neutral and polar, with proline, which is neutral and non-polar, at codon 573 of the LZTR1 protein (p.Ser573Pro). The frequency data for this variant in the population databases is considered unreliable, as metrics indicate poor data quality at this position in the gnomAD database. This variant has not been reported in the literature in individuals affected with LZTR1-related conditions. ClinVar contains an entry for this variant (Variation ID: 1428117). Invitae Evidence Modeling of protein sequence and biophysical properties (such as structural, functional, and spatial information, amino acid conservation, physicochemical variation, residue mobility, and thermodynamic stability) indicates that this missense variant is not expected to disrupt LZTR1 protein function with a negative predictive value of 80%. In summary, the available evidence is currently insufficient to determine the role of this variant in disease. Therefore, it has been classified as a Variant of Uncertain Significance.

Ambry Genetics
Classification: Uncertain significance for Cardiovascular phenotype; Hereditary cancer-predisposing syndrome. Last evaluated: 2025-03-18. Review status: criteria provided, single submitter. Criteria: Ambry Variant Classification Scheme 2023. Collection method: clinical testing. Allele origin: germline.

Fulgent Genetics
Classification: Uncertain significance for Noonan syndrome 2; LZTR1-related schwannomatosis; Noonan syndrome 10. Last evaluated: 2024-05-05. Review status: criteria provided, single submitter. Criteria: ACMG Guidelines, 2015. Collection method: clinical testing. Allele origin: germline.

Baylor Genetics
Classification: Uncertain significance for LZTR1-related schwannomatosis. Last evaluated: 2023-09-06. Review status: criteria provided, single submitter. Criteria: ACMG Guidelines, 2015. Collection method: clinical testing. Allele origin: unknown.